The following is an entry in ClinVar:

NM_004960.4(FUS):c.404G>A (p.Ser135Asn)

Gene: FUS (FUS RNA binding protein; plus strand). Cytogenetic location: 16p11.2.
Variant type: single nucleotide variant.
Coding change: c.404G>A on transcript NM_004960.4 (MANE Select); coding-DNA position 404, G replaced by A.
Protein change: p.Ser135Asn; replaces serine 135 with asparagine.
Molecular consequence: missense variant. On other transcripts: non-coding transcript variant (1).
Genome position (GRCh38, 1-based): chr16:31,184,277, G>A. VCF-style: chr16-31184277-G-A. GRCh37 (hg19) VCF-style: chr16-31195598-G-A.
Other names: c.401G>A, p.Ser134Asn (NM_001170634.1); c.404G>A, p.Ser135Asn (NM_001170937.1); short protein forms S135N, S134N.
Identifiers: ClinVar variation 447357 (VCV000447357.18), dbSNP rs61732970, ClinGen allele CA8023614.

ClinVar aggregate classification (germline): Benign/Likely benign. Review status: criteria provided, multiple submitters, no conflicts (2 of 4 stars). 5 submissions from 5 submitters: Benign (1); Likely benign (4). Last evaluated 2025-12-08.

Conditions:
Tremor, hereditary essential, 4 (ETM4). Identifiers: MedGen C3539195, MONDO:0013888, OMIM 614782.
Amyotrophic lateral sclerosis type 6. Also called: AMYOTROPHIC LATERAL SCLEROSIS 6 WITHOUT FRONTOTEMPORAL DEMENTIA; FUS-Related Amyotrophic Laterial Sclerosis; Amyotrophic lateral sclerosis 6, with or without frontotemporal dementia. Identifiers: Orphanet 275872, Orphanet 803, MedGen C2931786, MONDO:0011951, OMIM 608030.
FUS-related disorder. Also called: FUS-related condition.

Allele frequency attached by ClinVar (database versions not stated): ESP Exome Variant Server 0.00008; gnomAD exomes 0.00026 and 0.00053; ExAC 0.00033; gnomAD 0.00056 and 0.00062; TOPMed 0.00087; 1000 Genomes Project 0.00200; 1000 Genomes Project 30x 0.00219.
gnomAD v4.1: 489 of 1,614,152 alleles (0.03%); highest among the groups gnomAD compares: Admixed American, 0.34%; no homozygotes.

Submissions (5):

Labcorp Genetics (formerly Invitae), Labcorp
Classification: Likely benign for Tremor, hereditary essential, 4; Amyotrophic lateral sclerosis type 6. Last evaluated: 2025-12-08. Review status: criteria provided, single submitter. Criteria: Invitae Variant Classification Sherloc (09022015). Collection method: clinical testing. Allele origin: germline.

Mayo Clinic Laboratories, Mayo Clinic
Classification: Likely benign. Last evaluated: 2025-09-09. Review status: criteria provided, single submitter. Criteria: ACMG Guidelines, 2015. Collection method: clinical testing. Allele origin: germline. Observed: 2 variant alleles.
Comment: BS1, BS2

PreventionGenetics, part of Exact Sciences
Classification: Likely benign for FUS-related condition. Last evaluated: 2023-05-24. Review status: criteria provided, single submitter. Criteria: ACMG Guidelines, 2015. Collection method: clinical testing. Allele origin: germline.
Comment: This variant is classified as likely benign based on ACMG/AMP sequence variant interpretation guidelines (Richards et al. 2015 PMID: 25741868, with internal and published modifications).

Illumina Laboratory Services, Illumina
Classification: Likely benign for Amyotrophic lateral sclerosis type 6. Last evaluated: 2017-04-27. Review status: criteria provided, single submitter. Criteria: ICSL Variant Classification Criteria 13 December 2019. Collection method: clinical testing. Allele origin: germline.
Comment: This variant was observed as part of a predisposition screen in an ostensibly healthy population. A literature search was performed for the gene, cDNA change, and amino acid change (where applicable). No publications were found based on this search. Allele frequency data from public databases allowed determination this variant is unlikely to cause disease. Therefore, this variant is classified as likely benign.

Athena Diagnostics
Classification: Benign. Last evaluated: 2016-08-12. Review status: criteria provided, single submitter. Criteria: Athena Diagnostics Criteria. Collection method: clinical testing. Allele origin: germline.

Literature cited by the submitters: PubMed 20544928 (cited by Mayo Clinic Laboratories, Mayo Clinic and Athena Diagnostics); PubMed 21943958 (cited by Mayo Clinic Laboratories, Mayo Clinic); PubMed 28430856 (cited by Mayo Clinic Laboratories, Mayo Clinic); PubMed 28889094 (cited by Mayo Clinic Laboratories, Mayo Clinic); PubMed 29525180 (cited by Mayo Clinic Laboratories, Mayo Clinic); PubMed 25631824 (cited by Athena Diagnostics).